The following is an entry in ClinVar:

NM_001388447.1(PABIR3):c.683T>C (p.Val228Ala)

Gene: PABIR3 (PABIR family member 3; plus strand). Cytogenetic location: Xq26.3.
Variant type: single nucleotide variant.
Coding change: c.683T>C on transcript NM_001388447.1 (MANE Select); coding-DNA position 683, T replaced by C.
Protein change: p.Val228Ala; replaces valine 228 with alanine.
Molecular consequence: missense variant. On other transcripts: non-coding transcript variant (2), intron variant (4).
Genome position (GRCh38, 1-based): chrX:134,852,893, T>C. VCF-style: chrX-134852893-T-C. GRCh37 (hg19) VCF-style: chrX-133986923-T-C.
Other names: c.439T>C, p.Cys147Arg (NM_001170779.3, NM_001388440.1); c.680T>C, p.Val227Ala (NM_001388448.1); c.380+5476T>C (NM_001388449.1); c.528-1198T>C (NM_001365748.2); c.439-1198T>C (NM_138819.5); c.346-1198T>C (NM_001365745.2); c.439T>C (NM_001170779.1); short protein forms C147R, V227A, V228A.
Identifiers: ClinVar variation 2661482 (VCV002661482.26), dbSNP rs771168491, ClinGen allele CA10522095.

ClinVar aggregate classification (germline): Conflicting classifications of pathogenicity. Review status: criteria provided, conflicting classifications (1 of 4 stars). 2 submissions from 2 submitters: Uncertain significance (1); Likely benign (1). Last evaluated 2024-11-25.

Allele frequency attached by ClinVar (database versions not stated): gnomAD 0.00009; gnomAD exomes 0.00011; TOPMed 0.00012; 1000 Genomes Project 30x 0.00021; ExAC 0.00025.
gnomAD v4.1: 120 of 1,102,461 alleles (0.011%); highest among the groups gnomAD compares: East Asian, 0.027%; no homozygotes.

Submissions (2):

Ambry Genetics
Classification: Uncertain significance. Last evaluated: 2024-11-25. Review status: criteria provided, single submitter. Criteria: Ambry Variant Classification Scheme 2023. Collection method: clinical testing. Allele origin: germline.

CeGaT Center for Human Genetics Tuebingen
Classification: Likely benign. Last evaluated: 2022-11-01. Review status: criteria provided, single submitter. Criteria: CeGaT Center For Human Genetics Tuebingen Variant Classification Criteria Version 2. Collection method: clinical testing. Allele origin: germline. Affected: yes. Observed: 1 variant allele.
Comment: PABIR3: BP4, BS2